The following is an entry in ClinVar:

ClinVar aggregate classification (germline): Pathogenic. Review status: criteria provided, single submitter (1 of 4 stars). 2 submissions from 2 submitters: Pathogenic (1). 1 of the submissions does not count toward it. Last evaluated 2024-05-08.

Conditions:
Usher syndrome type 2. Also called: Usher Syndrome Type II. Identifiers: Orphanet 231178, MedGen C0339534, MONDO:0016484.
USH2A-related disorder. Also called: USH2A-related condition; USH2A-related disorders. Identifiers: MedGen CN239332.

Submissions (2):

Myriad Genetics, Inc.
Classification: Pathogenic for USH2A-related disorder. Last evaluated: 2024-05-08. Review status: criteria provided, single submitter. Criteria: Myriad Autosomal Dominant, Autosomal Recessive and X-Linked Classification Criteria (2023). Collection method: clinical testing. Allele origin: unknown.
Comment: NM_206933.2(USH2A):c.1860C>A(C620*) is expected to be pathogenic in the context of USH2A-related disorders. This variant is predicted to lead to an abnormal or absent protein product due to the creation of a premature termination codon in USH2A, a gene where loss-of-function variants are known to be pathogenic. Please note: this variant was assessed in the context of healthy population screening.

Ophthalmo-Genetics Lab, Instituto de Oftalmologia Conde de Valenciana
Classification: Pathogenic for Usher syndrome type 2. Last evaluated: 2022-11-14. Review status: no assertion criteria provided. Collection method: clinical testing. Allele origin: germline. Inheritance: Autosomal recessive inheritance. Affected: yes. Observed: 1 homozygote. Not counted in ClinVar's aggregate classification.
Comment: Novel pathogenic variant. PP4 (manual), PVS1, PM2.

Literature cited by the submitters: PubMed 35076463 (cited by Ophthalmo-Genetics Lab, Instituto de Oftalmologia Conde de Valenciana).

NM_206933.4(USH2A):c.1860C>A (p.Cys620Ter)

Gene: USH2A (usherin; minus strand). Cytogenetic location: 1q41.
Variant type: single nucleotide variant.
Coding change: c.1860C>A on transcript NM_206933.4 (MANE Select); coding-DNA position 1860, C replaced by A.
Protein change: p.Cys620Ter; replaces cysteine 620 with a stop codon.
Molecular consequence: nonsense.
Genome position (GRCh38, 1-based): chr1:216,289,391, G>T on the plus strand (C>A on the coding strand, the complement: USH2A is on the minus strand). VCF-style: chr1-216289391-G-T. GRCh37 (hg19) VCF-style: chr1-216462733-G-T.
Other names: c.1860C>A, p.Cys620Ter (NM_007123.6); short protein forms C620*.
Identifiers: ClinVar variation 1727205 (VCV001727205.2), dbSNP rs2528250682, ClinGen allele CA344902932.